The following is an entry in ClinVar:

ClinVar aggregate classification (germline): Uncertain significance (1 of 4 stars; one submission).

Conditions:
Developmental and epileptic encephalopathy, 9 (DEE9). Also called: PCDH19-Related X-Linked Female-Limited Epilepsy with Mental Retardation; EPILEPSY, FEMALE-RESTRICTED, WITH MENTAL RETARDATION; JUBERG-HELLMAN SYNDROME; Early infantile epileptic encephalopathy 9. Identifiers: Orphanet 101039, Orphanet 2076, MedGen C1848137, MONDO:0010246, OMIM 300088. Disease mechanism: loss of function.

Submission:

Labcorp Genetics (formerly Invitae), Labcorp
Classification: Uncertain significance for Early infantile epileptic encephalopathy 9. Last evaluated: 2019-08-02. Review status: criteria provided, single submitter. Criteria: Invitae Variant Classification Sherloc (09022015). Collection method: clinical testing. Allele origin: germline.
Comment: This variant results in a copy number gain of the genomic region encompassing the full coding sequence of the PCDH19 gene. The boundaries of this event are unknown as they extend beyond the assayed region for this gene and therefore may encompass additional genes. As the precise location of this event is unknown, it may be in tandem or it may be located elsewhere in the genome. This variant has not been reported in the literature in individuals with PCDH19-related conditions. In summary, the available evidence is currently insufficient to determine the role of this variant in disease. Therefore, it has been classified as a Variant of Uncertain Significance.

NC_000023.10:g.(?_99551255)_(99926004_?)dup

Genes: PCDH19 (protocadherin 19; minus strand), SRPX2 (sushi repeat containing protein X-linked 2; plus strand), TNMD (tenomodulin; plus strand), TSPAN6 (tetraspanin 6; minus strand). Cytogenetic location: Xq22.1.
Variant type: Duplication.
Identifiers: ClinVar variation 831118 (VCV000831118.1).